The following is an entry in ClinVar:

NM_000038.6(APC):c.2486del (p.Thr829fs)

Gene: APC (APC regulator of Wnt signaling pathway; plus strand). Cytogenetic location: 5q22.2.
Variant type: Deletion.
Coding change: c.2486del on transcript NM_000038.6 (MANE Select); coding-DNA position 2486, one base deleted (C; older notation c.2486delC).
Protein change: p.Thr829fs; shifts the reading frame from threonine 829.
Molecular consequence: frameshift variant. On other transcripts: non-coding transcript variant (2).
Genome position (GRCh38, 1-based): chr5:112,838,080, C deleted. VCF-style (leftmost placement, unchanged base first): chr5-112838079-AC-A. GRCh37 (hg19) VCF-style: chr5-112173776-AC-A.
Other names: c.2486del, p.Thr829fs (NM_001127510.3, NM_001354895.2, NM_001407450.1); c.2432del, p.Thr811fs (NM_001127511.3); c.2540del, p.Thr847fs (NM_001354896.2, NM_001407447.1, NM_001407448.1 and 1 more transcripts); c.2516del, p.Thr839fs (NM_001354897.2); c.2411del, p.Thr804fs (NM_001354898.2); c.2402del, p.Thr801fs (NM_001354899.2); c.2363del, p.Thr788fs (NM_001354900.2); c.2309del, p.Thr770fs (NM_001354901.2, NM_001407453.1); and 11 more; short protein forms T445fs, T546fs, T669fs, T700fs, T703fs, T728fs, T738fs, T746fs.
Identifiers: ClinVar variation 2573250 (VCV002573250.1), dbSNP rs2533425949, ClinGen allele CA2580613634.

ClinVar aggregate classification (germline): Pathogenic (1 of 4 stars; one submission).

Conditions:
Familial adenomatous polyposis 1 (FAP1). Also called: POLYPOSIS, ADENOMATOUS INTESTINAL; FAMILIAL ADENOMATOUS POLYPOSIS 1, ATTENUATED. Identifiers: MedGen C2713442, MONDO:0021056, OMIM 175100. Disease mechanism: loss of function.

Submission:

Myriad Genetics, Inc.
Classification: Pathogenic for Familial adenomatous polyposis 1. Last evaluated: 2023-02-14. Review status: criteria provided, single submitter. Criteria: Myriad Autosomal Dominant, Autosomal Recessive and X-Linked Classification Criteria (2023). Collection method: clinical testing. Allele origin: unknown.
Comment: This variant is considered pathogenic. This variant creates a frameshift predicted to result in premature protein truncation.